The following is an entry in ClinVar:

NM_001326411.2(PISD):c.559-1G>C

Genes: MIR7109 (microRNA 7109; minus strand), PISD (phosphatidylserine decarboxylase; minus strand). Cytogenetic location: 22q12.2.
Variant type: single nucleotide variant.
Coding change: c.559-1G>C on transcript NM_001326411.2 (MANE Select); the canonical splice acceptor site of the intron before coding-DNA position 559, G replaced by C.
Molecular consequence: splice acceptor variant. On other transcripts: non-coding transcript variant (1).
Genome position (GRCh38, 1-based): chr22:31,621,473, C>G on the plus strand (G>C on the coding strand, the complement: PISD is on the minus strand). VCF-style: chr22-31621473-C-G. GRCh37 (hg19) VCF-style: chr22-32017459-C-G.
Other names: c.496-1G>C (NM_001326412.1, NM_001326413.2, NM_001326414.2); c.559-1G>C (NM_001326421.1); c.379-1G>C (NM_001326420.2, NM_001326418.2); c.457-1G>C (NM_001326415.2, NM_001326419.2, NM_001326417.2 and 3 more transcripts).
Identifiers: ClinVar variation 4765426 (VCV004765426.1).

ClinVar aggregate classification (germline): Likely pathogenic (1 of 4 stars; one submission).

gnomAD v4.1: 2 of 1,614,136 alleles (0.00012%); highest among the groups gnomAD compares: Non-Finnish European, 0.000085%; no homozygotes.

Submission:

Labcorp Genetics (formerly Invitae), Labcorp
Classification: Likely pathogenic. Last evaluated: 2025-09-05. Review status: criteria provided, single submitter. Criteria: Invitae Variant Classification Sherloc (09022015). Collection method: clinical testing. Allele origin: germline.
Comment: This sequence change affects an acceptor splice site in intron 4 of the PISD gene. It is expected to disrupt RNA splicing. Variants that disrupt the donor or acceptor splice site typically lead to a loss of protein function (PMID: 16199547), and loss-of-function variants in PISD are known to be pathogenic (PMID: 30488656, 30858161). This variant is not present in population databases (gnomAD no frequency). This variant has not been reported in the literature in individuals affected with PISD-related conditions. Algorithms developed to predict the effect of sequence changes on RNA splicing suggest that this variant may disrupt the consensus splice site. In summary, the currently available evidence indicates that the variant is pathogenic, but additional data are needed to prove that conclusively. Therefore, this variant has been classified as Likely Pathogenic.

Literature cited by the submitters: PubMed 16199547; PubMed 30488656; PubMed 30858161.